The following is an entry in ClinVar:

NM_182961.4(SYNE1):c.6977C>T (p.Ser2326Leu)

Gene: SYNE1 (spectrin repeat containing nuclear envelope protein 1; minus strand). Cytogenetic location: 6q25.2.
Variant type: single nucleotide variant.
Coding change: c.6977C>T on transcript NM_182961.4 (MANE Select); coding-DNA position 6977, C replaced by T.
Protein change: p.Ser2326Leu; replaces serine 2326 with leucine.
Molecular consequence: missense variant.
Genome position (GRCh38, 1-based): chr6:152,401,190, G>A on the plus strand (C>T on the coding strand, the complement: SYNE1 is on the minus strand). VCF-style: chr6-152401190-G-A. GRCh37 (hg19) VCF-style: chr6-152722325-G-A.
Other names: c.6998C>T, p.Ser2333Leu (NM_033071.5); short protein forms S2326L, S2333L.
Identifiers: ClinVar variation 1039392 (VCV001039392.16), dbSNP rs752405422, ClinGen allele CA4057952.
Genomic context (GRCh38, chr6:152,401,190, plus strand): 5'-TTACCTACCTTGACTTTTTTCAATGCTTCACAAGTCTCATTTTGGGCACAGTTCATCAAC[G>A]ATTCTTCCACTTTTGTGAACCATGTTGTTATGTCATTAATAAACTTCTCCACTTGTGTAC-3'
Protein context (NP_892006.3, residues 2316-2336): ITTWFTKVEE[Ser2326Leu]LMNCAQNETC

ClinVar aggregate classification (germline): Uncertain significance. Review status: criteria provided, multiple submitters, no conflicts (2 of 4 stars). 2 submissions from 2 submitters: Uncertain significance (2). Last evaluated 2025-07-01.

Conditions:
Autosomal recessive ataxia, Beauce type. Also called: Spinocerebellar ataxia, autosomal recessive 8; SYNE1 Deficiency; ATAXIA, RECESSIVE, OF BEAUCE; SYNE1-Related Autosomal Recessive Cerebellar Ataxia. Identifiers: Orphanet 88644, MedGen C1853116, MONDO:0012549, OMIM 610743.
Emery-Dreifuss muscular dystrophy 4, autosomal dominant (EDMD4). Also called: EMERY-DREIFUSS MUSCULAR DYSTROPHY 4 WITH VARIABLE FEATURES. Identifiers: Orphanet 261, MedGen C2751807, MONDO:0013071, OMIM 612998.

Allele frequency attached by ClinVar (database versions not stated): ExAC 0.00001; gnomAD 0.00001; gnomAD exomes 0.00001.
gnomAD v4.1: 20 of 1,613,904 alleles (0.0012%); highest among the groups gnomAD compares: Non-Finnish European, 0.0015%; no homozygotes.

Submissions (2):

CeGaT Center for Human Genetics Tuebingen
Classification: Uncertain significance. Last evaluated: 2025-07-01. Review status: criteria provided, single submitter. Criteria: CeGaT Center For Human Genetics Tuebingen Variant Classification Criteria Version 2. Collection method: clinical testing. Allele origin: germline. Affected: yes. Observed: 1 variant allele.
Comment: SYNE1: PM2, BP4

Labcorp Genetics (formerly Invitae), Labcorp
Classification: Uncertain significance for Emery-Dreifuss muscular dystrophy 4, autosomal dominant; Autosomal recessive ataxia, Beauce type. Last evaluated: 2022-02-03. Review status: criteria provided, single submitter. Criteria: Invitae Variant Classification Sherloc (09022015). Collection method: clinical testing. Allele origin: germline.
Comment: In summary, the available evidence is currently insufficient to determine the role of this variant in disease. Therefore, it has been classified as a Variant of Uncertain Significance. Algorithms developed to predict the effect of missense changes on protein structure and function (SIFT, PolyPhen-2, Align-GVGD) all suggest that this variant is likely to be disruptive. ClinVar contains an entry for this variant (Variation ID: 1039392). This variant has not been reported in the literature in individuals affected with SYNE1-related conditions. This variant is present in population databases (rs752405422, gnomAD 0.003%). This sequence change replaces serine, which is neutral and polar, with leucine, which is neutral and non-polar, at codon 2333 of the SYNE1 protein (p.Ser2333Leu).